The following is an entry in ClinVar:

ClinVar aggregate classification (germline): Pathogenic (1 of 4 stars; one submission).

Conditions:
Autosomal recessive osteopetrosis 1. Also called: ALBERS-SCHONBERG DISEASE, AUTOSOMAL RECESSIVE; TCIRG1-Related Autosomal Recessive Osteopetrosis; TCIRG1-Related Osteopetrosis. Identifiers: Orphanet 667, MedGen C1850127, MONDO:0009815, OMIM 259700.

Submission:

Myriad Genetics, Inc.
Classification: Pathogenic for Autosomal recessive osteopetrosis 1. Last evaluated: 2023-09-27. Review status: criteria provided, single submitter. Criteria: Myriad Autosomal Dominant, Autosomal Recessive and X-Linked Classification Criteria (2023). Collection method: clinical testing. Allele origin: unknown.
Comment: NM_006019.3(TCIRG1):c.853dupG(V285Gfs*205) is expected to be pathogenic in the context of autosomal recessive osteopetrosis type 1. This variant is predicted to lead to an abnormal or absent protein product due to the creation of a premature termination codon in TCIRG1, a gene where loss-of-function variants are known to be pathogenic. Please note: this variant was assessed in the context of healthy population screening.

NM_006019.4(TCIRG1):c.853dup (p.Val285fs)

Gene: TCIRG1 (T cell immune regulator 1, ATPase H+ transporting V0 subunit a3; plus strand). Cytogenetic location: 11q13.2.
Variant type: Duplication.
Coding change: c.853dup on transcript NM_006019.4 (MANE Select); coding-DNA position 853, one base duplicated (G; older notation c.853dupG).
Protein change: p.Val285fs; shifts the reading frame from valine 285.
Molecular consequence: frameshift variant. On other transcripts: 5 prime UTR variant (1), intron variant (4).
Genome position (GRCh38, 1-based): chr11:68,044,177, G duplicated; the last of 3 consecutive G bases (chr11:68,044,175-68,044,177); duplicating any one gives the same sequence. VCF-style (leftmost placement, unchanged base first): chr11-68044174-C-CG. GRCh37 (hg19) VCF-style: chr11-67811641-C-CG.
Other names: c.-42dup (NM_001351059.2); c.853dup, p.Val285fs (NM_001440552.1, NM_001440553.1, NM_001440554.1 and 2 more transcripts); c.811dup, p.Val271fs (NM_001440555.1, NM_001440556.1, NM_001440563.1); c.640dup, p.Val214fs (NM_001440561.1, NM_001440562.1, NM_001440566.1 and 1 more transcripts); c.598dup, p.Val200fs (NM_001440564.1); c.553dup, p.Val185fs (NM_001440565.1); c.205dup, p.Val69fs (NM_006053.4); c.807+270dup (NM_001440559.1, NM_001440560.1); and 2 more; short protein forms V185fs, V200fs, V214fs, V271fs, V285fs, V69fs.
Identifiers: ClinVar variation 5012021 (VCV005012021.1).